The following is an entry in ClinVar:

ClinVar aggregate classification (germline): Conflicting classifications of pathogenicity. Review status: criteria provided, conflicting classifications (1 of 4 stars). 2 submissions from 2 submitters: Uncertain significance (1); Likely benign (1). Last evaluated 2026-02-03.

Conditions:
Autosomal recessive limb-girdle muscular dystrophy type 2J (LGMDR10). Also called: Limb-girdle muscular dystrophy, type 2J; MUSCULAR DYSTROPHY, LIMB-GIRDLE, AUTOSOMAL RECESSIVE 10. Identifiers: Orphanet 140922, MedGen C1837342, MONDO:0012127, OMIM 608807.
Dilated cardiomyopathy 1G (CMD1G). Identifiers: Orphanet 154, MedGen C1858763, MONDO:0011400, OMIM 604145.
Hypertrophic cardiomyopathy 9. Also called: Familial hypertrophic cardiomyopathy 9. Identifiers: MedGen C1861065, MONDO:0013412, OMIM 613765.

Allele frequency attached by ClinVar (database versions not stated): gnomAD exomes 0.00004 and 0.00019; gnomAD 0.00006 and 0.00007; TOPMed 0.00011; 1000 Genomes Project 30x 0.00016; 1000 Genomes Project 0.00020; ExAC 0.00021.
gnomAD v4.1: 66 of 1,608,652 alleles (0.0041%); highest among the groups gnomAD compares: East Asian, 0.14%; 1 homozygote.

Submissions (2):

Labcorp Genetics (formerly Invitae), Labcorp
Classification: Likely benign for Dilated cardiomyopathy 1G; Autosomal recessive limb-girdle muscular dystrophy type 2J. Last evaluated: 2026-02-03. Review status: criteria provided, single submitter. Criteria: Invitae Variant Classification Sherloc (09022015). Collection method: clinical testing. Allele origin: germline.

New York Genome Center
Classification: Uncertain significance for Dilated cardiomyopathy 1G; Hypertrophic cardiomyopathy 9. Last evaluated: 2022-02-10. Review status: criteria provided, single submitter. Criteria: NYGC Assertion Criteria 2020. Collection method: clinical testing. Allele origin: germline. Observed: 1 heterozygote.
Comment: The c.55435G>A (p. Val18479Ile) missense variant in the TTN gene identified in exon 287 (of 363) has not been reported in affected individuals in the literature. The variant has 0.0001436 allele frequency in the gnomAD (v2.1.1 and v3.1.2) databases (57 out of 396880 heterozygous alleles, no homozygotes), and 0.002682 allele frequency in the East Asian subpopulation represented in the gnomAD(v2) database (52 out of 19392 heterozygous alleles, no homozygotes). This variant is reported as a likely benign in the ClinVar database (Variation ID: 413072). The variant affects a moderately conserved residue (Val18479) located in the Ig-like 106 domain (Uniprot) of A-band region (PMID: 29238064) of TTN protein. In silico tools provide conflicting predictions about the potential pathogenicity of this variant (CADD score = 24.2, REVEL score = 0.121). Based on the available evidence, the c.55435G>A (p. Val18479Ile) missense variant identified in the TTN gene is reported as a Variant of Uncertain Significance.

NM_001267550.2(TTN):c.55435G>A (p.Val18479Ile)

Genes: TTN-AS1 (TTN antisense RNA 1; plus strand), TTN (titin; minus strand). Cytogenetic location: 2q31.2.
Variant type: single nucleotide variant.
Coding change: c.55435G>A on transcript NM_001267550.2 (MANE Select); coding-DNA position 55435, G replaced by A.
Protein change: p.Val18479Ile; replaces valine 18479 with isoleucine.
Molecular consequence: missense variant.
Genome position (GRCh38, 1-based): chr2:178,601,562, C>T on the plus strand (G>A on the coding strand, the complement: TTN is on the minus strand). VCF-style: chr2-178601562-C-T. GRCh37 (hg19) VCF-style: chr2-179466289-C-T.
Other names: c.50512G>A, p.Val16838Ile (NM_001256850.1); c.28240G>A, p.Val9414Ile (NM_003319.4); c.47731G>A, p.Val15911Ile (NM_133378.4); c.28615G>A, p.Val9539Ile (NM_133432.3); c.28816G>A, p.Val9606Ile (NM_133437.4); short protein forms V18479I, V9606I, V16838I, V9414I, V15911I, V9539I.
Identifiers: ClinVar variation 413072 (VCV000413072.13), dbSNP rs559712998, ClinGen allele CA1993445.